The following is an entry in ClinVar:

ClinVar aggregate classification (germline): Likely benign. Review status: criteria provided, multiple submitters, no conflicts (2 of 4 stars). 5 submissions from 5 submitters: Likely benign (4). 1 of the submissions does not count toward it. Last evaluated 2025-05-18.

Conditions:
KATNIP-related disorder. Also called: KATNIP-related condition.

Allele frequency attached by ClinVar (database versions not stated): gnomAD exomes 0.00010 and 0.00036; ExAC 0.00046; 1000 Genomes Project 30x 0.00078; 1000 Genomes Project 0.00080; gnomAD 0.00112; ESP Exome Variant Server 0.00193.
gnomAD v4.1: 319 of 1,605,518 alleles (0.02%); highest among the groups gnomAD compares: African/African-American, 0.34%; no homozygotes.

Submissions (5):

Labcorp Genetics (formerly Invitae), Labcorp
Classification: Likely benign. Last evaluated: 2025-05-18. Review status: criteria provided, single submitter. Criteria: Invitae Variant Classification Sherloc (09022015). Collection method: clinical testing. Allele origin: germline.

Ambry Genetics
Classification: Likely benign. Last evaluated: 2025-01-23. Review status: criteria provided, single submitter. Criteria: Ambry Variant Classification Scheme 2023. Collection method: clinical testing. Allele origin: germline.

Blueprint Genetics
Classification: Likely benign. Last evaluated: 2024-05-27. Review status: criteria provided, single submitter. Criteria: ACMG Guidelines, 2015. Collection method: clinical testing. Allele origin: germline.

Breakthrough Genomics
Classification: Likely benign. Review status: criteria provided, single submitter. Criteria: ACMG Guidelines, 2015. Collection method: not provided. Allele origin: germline. Inheritance: Autosomal recessive inheritance. Affected: yes.

PreventionGenetics, part of Exact Sciences
Classification: Likely benign for KATNIP-related condition. Last evaluated: 2020-04-16. Review status: no assertion criteria provided. Collection method: clinical testing. Allele origin: germline. Not counted in ClinVar's aggregate classification.
Comment: This variant is classified as likely benign based on ACMG/AMP sequence variant interpretation guidelines (Richards et al. 2015 PMID: 25741868, with internal and published modifications).

NM_015202.5(KATNIP):c.3550C>T (p.Arg1184Trp)

Gene: KATNIP (katanin interacting protein; plus strand). Cytogenetic location: 16p12.1.
Variant type: single nucleotide variant.
Coding change: c.3550C>T on transcript NM_015202.5 (MANE Select); coding-DNA position 3550, C replaced by T.
Protein change: p.Arg1184Trp; replaces arginine 1184 with tryptophan.
Molecular consequence: missense variant.
Genome position (GRCh38, 1-based): chr16:27,751,922, C>T. VCF-style: chr16-27751922-C-T. GRCh37 (hg19) VCF-style: chr16-27763243-C-T.
Other names: c.3550C>T (NM_015202.3); short protein forms R1184W.
Identifiers: ClinVar variation 715684 (VCV000715684.14), dbSNP rs139172052, ClinGen allele CA7978272.